The following is an entry in ClinVar:

NM_000210.4(ITGA6):c.847G>A (p.Ala283Thr)

Genes: ITGA6 (integrin subunit alpha 6; plus strand), PDK1-AS1 (PDK1 and ITGA6 antisense RNA 1; minus strand). Cytogenetic location: 2q31.1.
Variant type: single nucleotide variant.
Coding change: c.847G>A on transcript NM_000210.4 (MANE Select); coding-DNA position 847, G replaced by A.
Protein change: p.Ala283Thr; replaces alanine 283 with threonine.
Molecular consequence: missense variant.
Genome position (GRCh38, 1-based): chr2:172,474,126, G>A. VCF-style: chr2-172474126-G-A. GRCh37 (hg19) VCF-style: chr2-173338854-G-A.
Other names: c.847G>A, p.Ala283Thr (NM_001079818.3, NM_001365529.2, NM_001365530.2); c.490G>A, p.Ala164Thr (NM_001316306.2); c.964G>A, p.Ala322Thr (NM_001394928.1); short protein forms A164T, A283T, A322T.
Identifiers: ClinVar variation 3610858 (VCV003610858.2).
Genomic context (GRCh38, chr2:172,474,126, plus strand): 5'-GACTCAGGGAAAGGTATTGTTTCTAAAGATGAGATCACTTTTGTATCTGGTGCTCCCAGA[G>A]CCAATCACAGTGGAGCCGTGGTTTTGCTGAAGAGAGACATGAAGTCTGCACATCTCCTCC-3'
Protein context (NP_000201.2, residues 273-293): EITFVSGAPR[Ala283Thr]NHSGAVVLLK

ClinVar aggregate classification (germline): Uncertain significance (1 of 4 stars; one submission).

Submission:

Labcorp Genetics (formerly Invitae), Labcorp
Classification: Uncertain significance. Last evaluated: 2024-12-19. Review status: criteria provided, single submitter. Criteria: Invitae Variant Classification Sherloc (09022015). Collection method: clinical testing. Allele origin: germline.
Comment: This sequence change replaces alanine, which is neutral and non-polar, with threonine, which is neutral and polar, at codon 283 of the ITGA6 protein (p.Ala283Thr). This variant is not present in population databases (gnomAD no frequency). This variant has not been reported in the literature in individuals affected with ITGA6-related conditions. Invitae Evidence Modeling of protein sequence and biophysical properties (such as structural, functional, and spatial information, amino acid conservation, physicochemical variation, residue mobility, and thermodynamic stability) indicates that this missense variant is not expected to disrupt ITGA6 protein function with a negative predictive value of 80%. In summary, the available evidence is currently insufficient to determine the role of this variant in disease. Therefore, it has been classified as a Variant of Uncertain Significance.